The following is an entry in ClinVar:

ClinVar aggregate classification (germline): Uncertain significance (1 of 4 stars; one submission).

Conditions:
Immunodeficiency, common variable, 7. Identifiers: Orphanet 1572, Orphanet 696894, MedGen C3542922, MONDO:0013862, OMIM 614699.

Allele frequency attached by ClinVar (database versions not stated): gnomAD 0.00001.
gnomAD v4.1: 1 of 1,612,866 alleles (0.000062%); highest among the groups gnomAD compares: African/African-American, 0.0013%; no homozygotes.

Submission:

Labcorp Genetics (formerly Invitae), Labcorp
Classification: Uncertain significance for Immunodeficiency, common variable, 7. Last evaluated: 2022-08-16. Review status: criteria provided, single submitter. Criteria: Invitae Variant Classification Sherloc (09022015). Collection method: clinical testing. Allele origin: germline.
Comment: This sequence change falls in intron 4 of the CR2 gene. It does not directly change the encoded amino acid sequence of the CR2 protein. It affects a nucleotide within the consensus splice site. This variant is not present in population databases (gnomAD no frequency). This variant has not been reported in the literature in individuals affected with CR2-related conditions. In summary, the available evidence is currently insufficient to determine the role of this variant in disease. Therefore, it has been classified as a Variant of Uncertain Significance. ClinVar contains an entry for this variant (Variation ID: 1498742). Variants that disrupt the consensus splice site are a relatively common cause of aberrant splicing (PMID: 17576681, 9536098). Algorithms developed to predict the effect of sequence changes on RNA splicing suggest that this variant may disrupt the consensus splice site.

Literature cited by the submitters: PubMed 17576681; PubMed 9536098.

NM_001006658.3(CR2):c.734+5G>A

Gene: CR2 (complement C3d receptor 2; plus strand). Cytogenetic location: 1q32.2.
Variant type: single nucleotide variant.
Coding change: c.734+5G>A on transcript NM_001006658.3 (MANE Select); 5 bases into the intron after coding-DNA position 734, G replaced by A.
Molecular consequence: intron variant.
Genome position (GRCh38, 1-based): chr1:207,468,904, G>A. VCF-style: chr1-207468904-G-A. GRCh37 (hg19) VCF-style: chr1-207642249-G-A.
Other names: c.734+5G>A (NM_001877.5).
Identifiers: ClinVar variation 1498742 (VCV001498742.5), dbSNP rs1658186322, ClinGen allele CA1011619795.